The following is an entry in ClinVar:

NM_001037132.4(NRCAM):c.1770T>C (p.Ser590=)

Gene: NRCAM (neuronal cell adhesion molecule; minus strand). Cytogenetic location: 7q31.1.
Variant type: single nucleotide variant.
Coding change: c.1770T>C on transcript NM_001037132.4 (MANE Select); coding-DNA position 1770, T replaced by C.
Protein change: p.Ser590=; no amino-acid change (serine 590 retained).
Molecular consequence: synonymous variant. On other transcripts: non-coding transcript variant (5).
Genome position (GRCh38, 1-based): chr7:108,194,032, A>G on the plus strand (T>C on the coding strand, the complement: NRCAM is on the minus strand). VCF-style: chr7-108194032-A-G. GRCh37 (hg19) VCF-style: chr7-107834476-A-G.
Other names: c.1752T>C, p.Ser584= (NM_001371136.1, NM_001371151.1, NM_001371152.1 and 9 more transcripts); c.843T>C, p.Ser281= (NM_001371137.1); c.1770T>C, p.Ser590= (NM_001371138.1, NM_001371144.1, NM_001371149.1 and 13 more transcripts); c.1713T>C, p.Ser571= (NM_001371139.1, NM_001371140.1, NM_001371141.1 and 22 more transcripts); c.1425T>C, p.Ser475= (NM_001371142.1, NM_001371143.1, NM_001371147.1 and 2 more transcripts); c.1482T>C, p.Ser494= (NM_001371148.1, NM_001371170.1, NM_001371179.1 and 1 more transcripts); c.1695T>C, p.Ser565= (NM_001371182.1); c.1767T>C, p.Ser589= (NM_001371127.1); and 1 more.
Identifiers: ClinVar variation 3045606 (VCV003045606.2), dbSNP rs142274702, ClinGen allele CA4438831.

ClinVar aggregate classification (germline): Likely benign (0 of 4 stars; one submission).

Conditions:
NRCAM-related disorder.

Allele frequency attached by ClinVar (database versions not stated): gnomAD exomes 0.00005; ExAC 0.00014; ESP Exome Variant Server 0.00046; 1000 Genomes Project 0.00060; TOPMed 0.00060; 1000 Genomes Project 30x 0.00062; gnomAD 0.00063.
gnomAD v4.1: 181 of 1,613,596 alleles (0.011%); highest among the groups gnomAD compares: African/African-American, 0.21%; no homozygotes.

Submission:

PreventionGenetics, part of Exact Sciences
Classification: Likely benign for NRCAM-related condition. Last evaluated: 2019-10-21. Review status: no assertion criteria provided. Collection method: clinical testing. Allele origin: germline.
Comment: This variant is classified as likely benign based on ACMG/AMP sequence variant interpretation guidelines (Richards et al. 2015 PMID: 25741868, with internal and published modifications).